The following is an entry in ClinVar:

ClinVar aggregate classification (germline): Uncertain significance. Review status: criteria provided, multiple submitters, no conflicts (2 of 4 stars). 3 submissions from 3 submitters: Uncertain significance (3). Last evaluated 2024-01-11.

Conditions:
Acrocallosal syndrome (ACLS). Also called: HALLUX DUPLICATION, POSTAXIAL POLYDACTYLY, AND ABSENCE OF CORPUS CALLOSUM; Schinzel syndrome 1; Absence of corpus callosum with unusual facial appearance, mental deficiency, duplication of the halluces and polydactyly. Identifiers: Orphanet 36, MedGen C0796147, MONDO:0008708, OMIM 200990.

Allele frequency attached by ClinVar (database versions not stated): gnomAD 0.00003 and 0.00004; ExAC 0.00006; TOPMed 0.00007.
gnomAD v4.1: 40 of 1,613,098 alleles (0.0025%); highest among the groups gnomAD compares: Admixed American, 0.017%; no homozygotes.

Submissions (3):

Labcorp Genetics (formerly Invitae), Labcorp
Classification: Uncertain significance for Acrocallosal syndrome. Last evaluated: 2024-01-11. Review status: criteria provided, single submitter. Criteria: Invitae Variant Classification Sherloc (09022015). Collection method: clinical testing. Allele origin: germline.
Comment: This sequence change replaces arginine, which is basic and polar, with glutamine, which is neutral and polar, at codon 820 of the KIF7 protein (p.Arg820Gln). This variant is present in population databases (rs374638470, gnomAD 0.02%). This missense change has been observed in individual(s) with clinical features of KIF7-related conditions (PMID: 32738303). ClinVar contains an entry for this variant (Variation ID: 886221). Advanced modeling of protein sequence and biophysical properties (such as structural, functional, and spatial information, amino acid conservation, physicochemical variation, residue mobility, and thermodynamic stability) performed at Invitae indicates that this missense variant is not expected to disrupt KIF7 protein function with a negative predictive value of 80%. In summary, the available evidence is currently insufficient to determine the role of this variant in disease. Therefore, it has been classified as a Variant of Uncertain Significance.

GeneDx
Classification: Uncertain significance. Last evaluated: 2023-01-19. Review status: criteria provided, single submitter. Criteria: GeneDx Variant Classification Process June 2021. Collection method: clinical testing. Allele origin: germline. Affected: yes.
Comment: In silico analysis supports that this missense variant has a deleterious effect on protein structure/function; Reported in a patient with heterotaxy syndrome and congenital heart disease in published literature, but segregation and detailed clinical information were not provided (Liang et al., 2020); This variant is associated with the following publications: (PMID: 32738303)

Illumina Laboratory Services, Illumina
Classification: Uncertain significance for Acrocallosal syndrome. Last evaluated: 2018-01-13. Review status: criteria provided, single submitter. Criteria: ICSL Variant Classification Criteria 13 December 2019. Collection method: clinical testing. Allele origin: germline.

Literature cited by the submitters: PubMed 32738303 (cited by Labcorp Genetics (formerly Invitae), Labcorp).

NM_198525.3(KIF7):c.2459G>A (p.Arg820Gln)

Gene: KIF7 (kinesin family member 7; minus strand). Cytogenetic location: 15q26.1.
Variant type: single nucleotide variant.
Coding change: c.2459G>A on transcript NM_198525.3 (MANE Select); coding-DNA position 2459, G replaced by A.
Protein change: p.Arg820Gln; replaces arginine 820 with glutamine.
Molecular consequence: missense variant.
Genome position (GRCh38, 1-based): chr15:89,633,819, C>T on the plus strand (G>A on the coding strand, the complement: KIF7 is on the minus strand). VCF-style: chr15-89633819-C-T. GRCh37 (hg19) VCF-style: chr15-90177050-C-T.
Other names: short protein forms R820Q.
Identifiers: ClinVar variation 886221 (VCV000886221.11), dbSNP rs374638470, ClinGen allele CA7728145.